The following is an entry in ClinVar:

ClinVar aggregate classification (germline): Likely pathogenic (1 of 4 stars; one submission).

Conditions:
Congenital lactic acidosis, Saguenay-Lac-Saint-Jean type (MC4DN5). Also called: MITOCHONDRIAL COMPLEX IV DEFICIENCY, NUCLEAR TYPE 5; CYTOCHROME c OXIDASE DEFICIENCY, FRENCH CANADIAN TYPE; COX DEFICIENCY, FRENCH CANADIAN TYPE. Identifiers: Orphanet 70472, MedGen C1857355, MONDO:0009069, OMIM 220111.

Submission:

Myriad Genetics, Inc.
Classification: Likely pathogenic for Congenital lactic acidosis, Saguenay-Lac-Saint-Jean type. Last evaluated: 2022-03-30. Review status: criteria provided, single submitter. Criteria: Myriad Women's Health Autosomal Recessive and X-Linked Classification Criteria (2021). Collection method: clinical testing. Allele origin: unknown.
Comment: NM_133259.3(LRPPRC):c.3248_3249delTT(F1083Yfs*33) is expected to be pathogenic in the context of Leigh syndrome, French-Canadian type. This variant is predicted to lead to an abnormal or absent protein product due to the creation of a premature termination codon in LRPPRC, a gene where loss-of-function variants are known to be pathogenic. Please note: this variant was assessed in the context of healthy population screening.

NM_133259.4(LRPPRC):c.3248_3249del (p.Phe1083fs)

Gene: LRPPRC (leucine rich pentatricopeptide repeat containing; minus strand). Cytogenetic location: 2p21.
Variant type: Deletion.
Coding change: c.3248_3249del on transcript NM_133259.4 (MANE Select); coding-DNA positions 3248 to 3249, 2 bases deleted (TT; older notation c.3248_3249delTT).
Protein change: p.Phe1083fs; shifts the reading frame from phenylalanine 1083.
Molecular consequence: frameshift variant.
Genome position (GRCh38, 1-based): chr2:43,912,458-43,912,459, AA deleted on the plus strand (TT on the coding strand, the reverse complement: LRPPRC is on the minus strand); deleting any 2 consecutive bases within chr2:43,912,458-43,912,461 gives the same sequence; the c. name uses the placement nearest the transcript's 3' end. VCF-style (leftmost placement, unchanged base first): chr2-43912457-TAA-T. GRCh37 (hg19) VCF-style: chr2-44139596-TAA-T.
Other names: short protein forms F1083fs.
Identifiers: ClinVar variation 1725584 (VCV001725584.2), dbSNP rs2466424076, ClinGen allele CA2580066472.